The following is an entry in ClinVar:

ClinVar aggregate classification (germline): Likely pathogenic. Review status: criteria provided, single submitter (1 of 4 stars). 2 submissions from 2 submitters: Likely pathogenic (1). 1 of the submissions does not count toward it. Last evaluated 2020-10-23.

Conditions:
Myoclonus, intractable, neonatal (NEIMY). Identifiers: MedGen C4310658, MONDO:0014979, OMIM 617235.

Submissions (2):

Institute of Medical Genetics and Applied Genomics, University Hospital Tübingen
Classification: Likely pathogenic. Last evaluated: 2020-10-23. Review status: criteria provided, single submitter. Criteria: ACMG Guidelines, 2015. Collection method: clinical testing. Allele origin: germline. Inheritance: Unknown mechanism. Affected: yes.

Solve-RD Consortium
Classification: Likely pathogenic for Myoclonus, intractable, neonatal. Last evaluated: 2022-06-01. Review status: no assertion criteria provided. Collection method: provider interpretation. Allele origin: inherited. Affected: yes. Not counted in ClinVar's aggregate classification.
Comment: Variant confirmed as disease-causing by referring clinical team

Variant identified during reanalysis of unsolved cases by the Solve-RD project. The Solve-RD project has received funding from the European Union’s Horizon 2020 research and innovation programme under grant agreement No 779257.

Literature cited by the submitters: PubMed 39825153 (cited by Solve-RD Consortium).

NM_004984.4(KIF5A):c.2755+1G>T

Gene: KIF5A (kinesin family member 5A; plus strand). Cytogenetic location: 12q13.3.
Variant type: single nucleotide variant.
Coding change: c.2755+1G>T on transcript NM_004984.4 (MANE Select); the canonical splice donor site of the intron after coding-DNA position 2755, G replaced by T.
Molecular consequence: splice donor variant.
Genome position (GRCh38, 1-based): chr12:57,581,173, G>T. VCF-style: chr12-57581173-G-T. GRCh37 (hg19) VCF-style: chr12-57974956-G-T.
Other names: c.2488+1G>T (NM_001354705.2).
Identifiers: ClinVar variation 987274 (VCV000987274.3), dbSNP rs1882585452, ClinGen allele CA385515465.
Genomic context (GRCh38, chr12:57,581,173, plus strand): 5'-GCATCAAGGAGGCCGTTCGCTACAAGAGCTCGGGCAAACGGGGCCATTCTGCCCAGATTG[G>T]TGAGTAGGTGTTAGCAGGCAAGGTGGGAGTATCTCCTGAAGCAAATTTAGCAAATTGCTA-3'